The following is an entry in ClinVar:

NM_130837.3(OPA1):c.2597G>A (p.Ser866Asn)

Gene: OPA1 (OPA1 mitochondrial dynamin like GTPase; plus strand). Cytogenetic location: 3q29.
Variant type: single nucleotide variant.
Coding change: c.2597G>A on transcript NM_130837.3 (MANE Select); coding-DNA position 2597, G replaced by A.
Protein change: p.Ser866Asn; replaces serine 866 with asparagine.
Molecular consequence: missense variant.
Genome position (GRCh38, 1-based): chr3:193,662,898, G>A. VCF-style: chr3-193662898-G-A. GRCh37 (hg19) VCF-style: chr3-193380687-G-A.
Other names: c.2063G>A, p.Ser688Asn (NM_001354663.2); c.2060G>A, p.Ser687Asn (NM_001354664.2); c.2432G>A, p.Ser811Asn (NM_015560.3); c.2324G>A, p.Ser775Asn (NM_130831.3); c.2378G>A, p.Ser793Asn (NM_130832.3); c.2435G>A, p.Ser812Asn (NM_130833.3); c.2486G>A, p.Ser829Asn (NM_130834.3); c.2489G>A, p.Ser830Asn (NM_130835.3); and 1 more; short protein forms S687N, S688N, S775N, S793N, S811N, S812N, S829N, S830N.
Identifiers: ClinVar variation 1716867 (VCV001716867.5), dbSNP rs2475134683, ClinGen allele CA355793180.

ClinVar aggregate classification (germline): Uncertain significance (1 of 4 stars; one submission).

Submission:

Labcorp Genetics (formerly Invitae), Labcorp
Classification: Uncertain significance. Last evaluated: 2022-08-19. Review status: criteria provided, single submitter. Criteria: Invitae Variant Classification Sherloc (09022015). Collection method: clinical testing. Allele origin: germline.
Comment: This sequence change replaces serine, which is neutral and polar, with asparagine, which is neutral and polar, at codon 811 of the OPA1 protein (p.Ser811Asn). This variant is not present in population databases (gnomAD no frequency). This variant has not been reported in the literature in individuals affected with OPA1-related conditions. Advanced modeling of protein sequence and biophysical properties (such as structural, functional, and spatial information, amino acid conservation, physicochemical variation, residue mobility, and thermodynamic stability) performed at Invitae indicates that this missense variant is not expected to disrupt OPA1 protein function. In summary, the available evidence is currently insufficient to determine the role of this variant in disease. Therefore, it has been classified as a Variant of Uncertain Significance.